The following is an entry in ClinVar:

ClinVar aggregate classification (germline): Likely benign. Review status: criteria provided, multiple submitters, no conflicts (2 of 4 stars). 2 submissions from 2 submitters: Likely benign (2). Last evaluated 2024-06-22.

Conditions:
Hermansky-Pudlak syndrome 9 (HPS9). Identifiers: Orphanet 280663, Orphanet 79430, MedGen C3280026, MONDO:0013606, OMIM 614171.

Allele frequency attached by ClinVar (database versions not stated): gnomAD exomes 0.00001; TOPMed 0.00001; ExAC 0.00002.
gnomAD v4.1: 8 of 1,594,052 alleles (0.0005%); highest among the groups gnomAD compares: Admixed American, 0.005%; no homozygotes.

Submissions (2):

Labcorp Genetics (formerly Invitae), Labcorp
Classification: Likely benign for Hermansky-Pudlak syndrome 9. Last evaluated: 2024-06-22. Review status: criteria provided, single submitter. Criteria: Invitae Variant Classification Sherloc (09022015). Collection method: clinical testing. Allele origin: germline.

Women's Health and Genetics/Laboratory Corporation of America, LabCorp
Classification: Likely benign. Last evaluated: 2023-11-20. Review status: criteria provided, single submitter. Criteria: LabCorp Variant Classification Summary - May 2015. Collection method: clinical testing. Allele origin: germline.
Comment: Variant summary: BLOC1S6 c.313-9C>T alters a non-conserved nucleotide located at a position not widely known to affect splicing. Consensus agreement among computation tools predict no significant impact on normal splicing. However, these predictions have yet to be confirmed by functional studies. The variant allele was found at a frequency of 8e-06 in 248868 control chromosomes (gnomAD). The available data on variant occurrences in the general population are insufficient to allow any conclusion about variant significance. To our knowledge, no occurrence of c.313-9C>T in individuals affected with Hermansky-Pudlak Syndrome and no experimental evidence demonstrating its impact on protein function have been reported. One submitter has cited a clinical-significance assessment for this variant to ClinVar after 2014 and has classified the variant as likely benign. Based on the evidence outlined above, the variant was classified as likely benign.

NM_012388.4(BLOC1S6):c.313-9C>T

Gene: BLOC1S6 (biogenesis of lysosomal organelles complex 1 subunit 6; plus strand). Cytogenetic location: 15q21.1.
Variant type: single nucleotide variant.
Coding change: c.313-9C>T on transcript NM_012388.4 (MANE Select); 9 bases into the intron before coding-DNA position 313, C replaced by T.
Molecular consequence: intron variant.
Genome position (GRCh38, 1-based): chr15:45,605,419, C>T. VCF-style: chr15-45605419-C-T. GRCh37 (hg19) VCF-style: chr15-45897617-C-T.
Other names: c.328-9C>T (NM_001311255.1); c.240-9C>T (NM_001311256.1).
Identifiers: ClinVar variation 1388382 (VCV001388382.7), dbSNP rs765107661, ClinGen allele CA7544341.